The following is an entry in ClinVar:

ClinVar aggregate classification (germline): Uncertain significance. Review status: criteria provided, multiple submitters, no conflicts (2 of 4 stars). 2 submissions from 2 submitters: Uncertain significance (2). Last evaluated 2025-02-10.

Conditions:
Intellectual disability, autosomal recessive 53 (NEDHSCA). Also called: Mental retardation, autosomal recessive 53; GLYCOSYLPHOSPHATIDYLINOSITOL BIOSYNTHESIS DEFECT 13; NEURODEVELOPMENTAL DISORDER WITH OR WITHOUT HYPOTONIA, SEIZURES, AND CEREBELLAR ATROPHY. Identifiers: Orphanet 488635, MedGen C4310794, MONDO:0014832, OMIM 616917.
Inborn genetic diseases. Identifiers: MedGen C0950123, MeSH D030342.

Allele frequency attached by ClinVar (database versions not stated): gnomAD 0.00006 and 0.00009; ExAC 0.00007; gnomAD exomes 0.00007 and 0.00014; TOPMed 0.00007; 1000 Genomes Project 0.00040; 1000 Genomes Project 30x 0.00047.

Submissions (2):

Ambry Genetics
Classification: Uncertain significance for Inborn genetic diseases. Last evaluated: 2025-02-10. Review status: criteria provided, single submitter. Criteria: Ambry Variant Classification Scheme 2023. Collection method: clinical testing. Allele origin: germline.

Labcorp Genetics (formerly Invitae), Labcorp
Classification: Uncertain significance for Intellectual disability, autosomal recessive 53. Last evaluated: 2024-12-02. Review status: criteria provided, single submitter. Criteria: Invitae Variant Classification Sherloc (09022015). Collection method: clinical testing. Allele origin: germline.
Comment: This sequence change replaces aspartic acid, which is acidic and polar, with asparagine, which is neutral and polar, at codon 838 of the PIGG protein (p.Asp838Asn). This variant is present in population databases (rs201165763, gnomAD 0.05%). This variant has not been reported in the literature in individuals affected with PIGG-related conditions. ClinVar contains an entry for this variant (Variation ID: 957108). Invitae Evidence Modeling of protein sequence and biophysical properties (such as structural, functional, and spatial information, amino acid conservation, physicochemical variation, residue mobility, and thermodynamic stability) indicates that this missense variant is not expected to disrupt PIGG protein function with a negative predictive value of 80%. In summary, the available evidence is currently insufficient to determine the role of this variant in disease. Therefore, it has been classified as a Variant of Uncertain Significance.

NM_001127178.3(PIGG):c.2512G>A (p.Asp838Asn)

Gene: PIGG (phosphatidylinositol glycan anchor biosynthesis class G (EMM blood group); plus strand). Cytogenetic location: 4p16.3.
Variant type: single nucleotide variant.
Coding change: c.2512G>A on transcript NM_001127178.3 (MANE Select); coding-DNA position 2512, G replaced by A.
Protein change: p.Asp838Asn; replaces aspartic acid 838 with asparagine.
Molecular consequence: missense variant. On other transcripts: non-coding transcript variant (6).
Genome position (GRCh38, 1-based): chr4:530,686, G>A. VCF-style: chr4-530686-G-A. GRCh37 (hg19) VCF-style: chr4-524475-G-A.
Other names: c.2245G>A, p.Asp749Asn (NM_001289051.2, NM_001345986.2); c.2113G>A, p.Asp705Asn (NM_001289052.2); c.2221G>A, p.Asp741Asn (NM_001345987.2); c.1483G>A, p.Asp495Asn (NM_001345988.2); c.979G>A, p.Asp327Asn (NM_001345990.2, NM_001345991.2); c.1414G>A, p.Asp472Asn (NM_001345994.2); c.2488G>A, p.Asp830Asn (NM_017733.5); c.2512G>A (NM_001127178.1); short protein forms D327N, D838N, D830N, D705N, D741N, D749N, D472N, D495N.
Identifiers: ClinVar variation 957108 (VCV000957108.9), dbSNP rs201165763, ClinGen allele CA2793646.